The following is an entry in ClinVar:

NM_053274.3(GLMN):c.1057T>C (p.Tyr353His)

Gene: GLMN (glomulin; minus strand). Cytogenetic location: 1p22.1.
Variant type: single nucleotide variant.
Coding change: c.1057T>C on transcript NM_053274.3 (MANE Select); coding-DNA position 1057, T replaced by C.
Protein change: p.Tyr353His; replaces tyrosine 353 with histidine.
Molecular consequence: missense variant. On other transcripts: non-coding transcript variant (1).
Genome position (GRCh38, 1-based): chr1:92,267,954, A>G on the plus strand (T>C on the coding strand, the complement: GLMN is on the minus strand). VCF-style: chr1-92267954-A-G. GRCh37 (hg19) VCF-style: chr1-92733511-A-G.
Other names: c.1057T>C, p.Tyr353His (NM_001319683.2); short protein forms Y353H.
Identifiers: ClinVar variation 298132 (VCV000298132.11), dbSNP rs149792649, ClinGen allele CA950390.

ClinVar aggregate classification (germline): Benign/Likely benign. Review status: criteria provided, multiple submitters, no conflicts (2 of 4 stars). 4 submissions from 4 submitters: Benign (2); Likely benign (2). Last evaluated 2026-03-01.

Conditions:
Glomuvenous malformation. Also called: VENOUS MALFORMATIONS WITH GLOMUS CELLS; Familial glomangioma; GLOMANGIOMAS, MULTIPLE; GLOMUS TUMORS, MULTIPLE. Identifiers: Orphanet 83454, MedGen C1841984, MONDO:0007672, OMIM 138000.

Allele frequency attached by ClinVar (database versions not stated): 1000 Genomes Project 30x 0.00094; gnomAD 0.00096 and 0.00098; 1000 Genomes Project 0.00100; ExAC 0.00107; TOPMed 0.00107; ESP Exome Variant Server 0.00116; gnomAD exomes 0.00117 and 0.00128.
gnomAD v4.1: 1,937 of 1,558,314 alleles (0.12%); highest among the groups gnomAD compares: Middle Eastern, 0.18%; 2 homozygotes.

Submissions (4):

CeGaT Center for Human Genetics Tuebingen
Classification: Likely benign. Last evaluated: 2026-03-01. Review status: criteria provided, single submitter. Criteria: CeGaT Center For Human Genetics Tuebingen Variant Classification Criteria Version 2. Collection method: clinical testing. Allele origin: germline. Affected: yes. Observed: 1 variant allele.
Comment: GLMN: BP4, BS1

Blueprint Genetics
Classification: Likely benign. Last evaluated: 2024-11-26. Review status: criteria provided, single submitter. Criteria: ACMG Guidelines, 2015. Collection method: clinical testing. Allele origin: germline.

Illumina Laboratory Services, Illumina
Classification: Benign for Glomuvenous malformation. Last evaluated: 2018-01-12. Review status: criteria provided, single submitter. Criteria: ICSL Variant Classification Criteria 13 December 2019. Collection method: clinical testing. Allele origin: germline.
Comment: This variant was observed in the ICSL laboratory as part of a predisposition screen in an ostensibly healthy population. It had not been previously curated by ICSL or reported in the Human Gene Mutation Database (HGMD: prior to June 1st, 2018), and was therefore a candidate for classification through an automated scoring system. Utilizing variant allele frequency, disease prevalence and penetrance estimates, and inheritance mode, an automated score was calculated to assess if this variant is too frequent to cause the disease. Based on the score and internal cut-off values, a variant classified as benign is not then subjected to further curation. The score for this variant resulted in a classification of benign for this disease.

Breakthrough Genomics
Classification: Benign. Review status: criteria provided, single submitter. Criteria: ACMG Guidelines, 2015. Collection method: not provided. Allele origin: germline. Inheritance: Autosomal dominant inheritance. Affected: yes.